The following is an entry in ClinVar:

ClinVar aggregate classification (germline): Likely benign. Review status: criteria provided, multiple submitters, no conflicts (2 of 4 stars). 2 submissions from 2 submitters: Likely benign (2). Last evaluated 2020-05-10.

Conditions:
Hereditary diffuse gastric adenocarcinoma (HDGC). Also called: DIFFUSE GASTRIC AND LOBULAR BREAST CANCER SYNDROME. Identifiers: Orphanet 26106, MedGen C1708349, MONDO:0007648, OMIM 137215.

Submissions (2):

Labcorp Genetics (formerly Invitae), Labcorp
Classification: Likely benign for Hereditary diffuse gastric adenocarcinoma. Last evaluated: 2020-05-10. Review status: criteria provided, single submitter. Criteria: Invitae Variant Classification Sherloc (09022015). Collection method: clinical testing. Allele origin: germline.

GeneDx
Classification: Likely benign. Last evaluated: 2015-10-28. Review status: criteria provided, single submitter. Criteria: GeneDx Variant Classification (06012015). Collection method: clinical testing. Allele origin: germline. Affected: yes.
Comment: This variant is considered likely benign or benign based on one or more of the following criteria: it is a conservative change, it occurs at a poorly conserved position in the protein, it is predicted to be benign by multiple in silico algorithms, and/or has population frequency not consistent with disease.

NM_004360.5(CDH1):c.48+10A>G

Gene: CDH1 (cadherin 1; plus strand). Cytogenetic location: 16q22.1.
Variant type: single nucleotide variant.
Coding change: c.48+10A>G on transcript NM_004360.5 (MANE Select); 10 bases into the intron after coding-DNA position 48, A replaced by G.
Molecular consequence: intron variant.
Genome position (GRCh38, 1-based): chr16:68,737,473, A>G. VCF-style: chr16-68737473-A-G. GRCh37 (hg19) VCF-style: chr16-68771376-A-G.
Other names: c.48+10A>G (LRG_301t1, NM_001317184.2); c.-1568+10A>G (NM_001317185.2); c.-1772+10A>G (NM_001317186.2).
Identifiers: ClinVar variation 381238 (VCV000381238.10), dbSNP rs1057520986, ClinGen allele CA16608219.